The following is an entry in ClinVar:

ClinVar aggregate classification (germline): Uncertain significance (1 of 4 stars; one submission).

Submission:

GeneDx
Classification: Uncertain significance. Last evaluated: 2019-09-28. Review status: criteria provided, single submitter. Criteria: GeneDx Variant Classification Process June 2021. Collection method: clinical testing. Allele origin: germline. Affected: yes.
Comment: Not observed in large population cohorts (Lek et al., 2016); In silico analysis, which includes protein predictors and evolutionary conservation, supports that this variant does not alter protein structure/function; Has not been previously published as pathogenic or benign to our knowledge

NM_000901.5(NR3C2):c.496T>C (p.Ser166Pro)

Gene: NR3C2 (nuclear receptor subfamily 3 group C member 2; minus strand). Cytogenetic location: 4q31.23.
Variant type: single nucleotide variant.
Coding change: c.496T>C on transcript NM_000901.5 (MANE Select); coding-DNA position 496, T replaced by C.
Protein change: p.Ser166Pro; replaces serine 166 with proline.
Molecular consequence: missense variant. On other transcripts: non-coding transcript variant (1).
Genome position (GRCh38, 1-based): chr4:148,436,365, A>G on the plus strand (T>C on the coding strand, the complement: NR3C2 is on the minus strand). VCF-style: chr4-148436365-A-G. GRCh37 (hg19) VCF-style: chr4-149357517-A-G.
Other names: c.496T>C, p.Ser166Pro (NM_001166104.2, NM_001354819.1); short protein forms S166P.
Identifiers: ClinVar variation 1312451 (VCV001312451.2), dbSNP rs2126655915, ClinGen allele CA358249410.